The following is an entry in ClinVar:

NM_001378454.1(ALMS1):c.446A>G (p.Asp149Gly)

Gene: ALMS1 (ALMS1 centrosome and basal body associated protein; plus strand). Cytogenetic location: 2p13.1.
Variant type: single nucleotide variant.
Coding change: c.446A>G on transcript NM_001378454.1 (MANE Select); coding-DNA position 446, A replaced by G.
Protein change: p.Asp149Gly; replaces aspartic acid 149 with glycine.
Molecular consequence: missense variant.
Genome position (GRCh38, 1-based): chr2:73,408,743, A>G. VCF-style: chr2-73408743-A-G. GRCh37 (hg19) VCF-style: chr2-73635871-A-G.
Other names: c.449A>G, p.Asp150Gly (NM_015120.4); short protein forms D149G, D150G.
Identifiers: ClinVar variation 1462570 (VCV001462570.3), dbSNP rs1671019702, ClinGen allele CA347257742.

ClinVar aggregate classification (germline): Uncertain significance (1 of 4 stars; one submission).

Conditions:
Alstrom syndrome (ALMS). Identifiers: Orphanet 64, MedGen C0268425, MONDO:0008763, OMIM 203800.

gnomAD v4.1: 6 of 1,610,260 alleles (0.00037%); no homozygotes.

Submission:

Labcorp Genetics (formerly Invitae), Labcorp
Classification: Uncertain significance for Alstrom syndrome. Last evaluated: 2022-08-05. Review status: criteria provided, single submitter. Criteria: Invitae Variant Classification Sherloc (09022015). Collection method: clinical testing. Allele origin: germline.
Comment: This sequence change replaces aspartic acid, which is acidic and polar, with glycine, which is neutral and non-polar, at codon 150 of the ALMS1 protein (p.Asp150Gly). This variant is not present in population databases (gnomAD no frequency). This variant has not been reported in the literature in individuals affected with ALMS1-related conditions. ClinVar contains an entry for this variant (Variation ID: 1462570). Experimental studies and prediction algorithms are not available or were not evaluated, and the functional significance of this variant is currently unknown. Algorithms developed to predict the effect of sequence changes on RNA splicing suggest that this variant may disrupt the consensus splice site. In summary, the available evidence is currently insufficient to determine the role of this variant in disease. Therefore, it has been classified as a Variant of Uncertain Significance.